The following is an entry in ClinVar:

NM_000593.6(TAP1):c.1319G>C (p.Ser440Thr)

Gene: TAP1 (transporter 1, ATP binding cassette subfamily B member; minus strand). Cytogenetic location: 6p21.32.
Variant type: single nucleotide variant.
Coding change: c.1319G>C on transcript NM_000593.6 (MANE Select); coding-DNA position 1319, G replaced by C.
Protein change: p.Ser440Thr; replaces serine 440 with threonine.
Molecular consequence: missense variant.
Genome position (GRCh38, 1-based): chr6:32,849,048, C>G on the plus strand (G>C on the coding strand, the complement: TAP1 is on the minus strand). VCF-style: chr6-32849048-C-G. GRCh37 (hg19) VCF-style: chr6-32816825-C-G.
Other names: c.716G>C, p.Ser239Thr (NM_001292022.2); short protein forms S440T, S239T.
Identifiers: ClinVar variation 2843850 (VCV002843850.3), dbSNP rs1289486134, ClinGen allele CA363592245.
Genomic context (GRCh38, chr6:32,849,048, plus strand): 5'-ACCTCCACAGCCTGGGTGAACTGCATCTGGTAGAGAACAAATGTGACAAGGTTCCCACTG[C>G]TTACAGCCCCACTGGTCACCAGCTGCCCACCAATGTAGAGGATTCCCACTTTCAGCAGCA-3'
Protein context (NP_000584.3, residues 430-450): GGQLVTSGAV[Ser440Thr]SGNLVTFVLY

ClinVar aggregate classification (germline): Uncertain significance (1 of 4 stars; one submission).

Conditions:
MHC class I deficiency. Identifiers: Orphanet 34592, MedGen C6024714, MONDO:0011476.

Submission:

Labcorp Genetics (formerly Invitae), Labcorp
Classification: Uncertain significance for MHC class I deficiency 1. Last evaluated: 2023-03-17. Review status: criteria provided, single submitter. Criteria: Invitae Variant Classification Sherloc (09022015). Collection method: clinical testing. Allele origin: germline.
Comment: This sequence change replaces serine, which is neutral and polar, with threonine, which is neutral and polar, at codon 500 of the TAP1 protein (p.Ser500Thr). The frequency data for this variant in the population databases is considered unreliable, as metrics indicate poor data quality at this position in the gnomAD database. This variant has not been reported in the literature in individuals affected with TAP1-related conditions. An algorithm developed to predict the effect of missense changes on protein structure and function (PolyPhen-2) suggests that this variant is likely to be disruptive. In summary, the available evidence is currently insufficient to determine the role of this variant in disease. Therefore, it has been classified as a Variant of Uncertain Significance.